The following is an entry in ClinVar:

NM_001875.5(CPS1):c.902G>A (p.Gly301Glu)

Gene: CPS1 (carbamoyl-phosphate synthase 1; plus strand). Cytogenetic location: 2q34.
Variant type: single nucleotide variant.
Coding change: c.902G>A on transcript NM_001875.5 (MANE Select); coding-DNA position 902, G replaced by A.
Protein change: p.Gly301Glu; replaces glycine 301 with glutamic acid.
Molecular consequence: missense variant. On other transcripts: non-coding transcript variant (1).
Genome position (GRCh38, 1-based): chr2:210,590,861, G>A. VCF-style: chr2-210590861-G-A. GRCh37 (hg19) VCF-style: chr2-211455585-G-A.
Other names: c.902G>A (LRG_336t1); c.902G>A, p.Gly301Glu (NM_001122633.3, NM_001369257.1); c.935G>A, p.Gly312Glu (NM_001369256.1); short protein forms G301E, G312E.
Identifiers: ClinVar variation 549970 (VCV000549970.5), dbSNP rs973321068, ClinGen allele CA64740159.

ClinVar aggregate classification (germline): Likely pathogenic. Review status: criteria provided, multiple submitters, no conflicts (2 of 4 stars). 3 submissions from 3 submitters: Likely pathogenic (2). 1 of the submissions does not count toward it. Last evaluated 2024-12-18.

Conditions:
Pulmonary hypertension, neonatal, susceptibility to (PHN). Identifiers: MedGen C3714958, MONDO:0014151, OMIM 615371.
Congenital hyperammonemia, type I. Also called: Carbamoyl-phosphate synthase I deficiency; Carbamoyl phosphate synthetase I deficiency disease; CPS I DEFICIENCY; Carbamoyl phosphate synthetase 1 deficiency; Hyperammonemia due to carbamoyl phosphate synthetase 1 deficiency; CPS 1 deficiency. Identifiers: Orphanet 147, MedGen C4082171, MONDO:0009376, OMIM 237300.

Allele frequency attached by ClinVar (database versions not stated): gnomAD 0.00001; TOPMed 0.00001.
gnomAD v4.1: 16 of 1,611,200 alleles (0.00099%); highest among the groups gnomAD compares: Non-Finnish European, 0.0013%; no homozygotes.

Submissions (3):

Natera, Inc.
Classification: Likely pathogenic for Carbamoyl-phosphate synthase I deficiency. Last evaluated: 2024-12-18. Review status: criteria provided, single submitter. Criteria: Natera Variant Classification Schema (03/2026). Collection method: clinical testing. Allele origin: germline.
Comment: The c.902G>A variant in CPS1 is a missense variant predicted to cause substitution of glycine to glutamic acid at amino acid 301. This variant is rare in the general population with a frequency below the threshold expected for the associated phenotype(s). This variant has been observed in one or more individuals affected with the associated recessive disease, as either homozygous or compound heterozygous with a second variant (PMID: 16737834). This variant has been identified in one or more affected individuals with a phenotype highly consistent with the associated gene (PMID: 16737834). Computational prediction algorithms indicate this variant is likely to affect gene or protein function. Given the available evidence, this variant is classified as Likely Pathogenic.

Baylor Genetics
Classification: Likely pathogenic for Pulmonary hypertension, neonatal, susceptibility to. Last evaluated: 2023-12-24. Review status: criteria provided, single submitter. Criteria: ACMG Guidelines, 2015. Collection method: clinical testing. Allele origin: unknown.

Counsyl
Classification: Uncertain significance for Congenital hyperammonemia, type I. Last evaluated: 2017-10-03. Review status: no assertion criteria provided. Collection method: clinical testing. Allele origin: unknown. Not counted in ClinVar's aggregate classification.

Literature cited by the submitters: PubMed 16737834 (cited by Natera, Inc. and Counsyl).